The following is an entry in ClinVar:

NM_000521.4(HEXB):c.333G>C (p.Trp111Cys)

Gene: HEXB (hexosaminidase subunit beta; plus strand). Cytogenetic location: 5q13.3.
Variant type: single nucleotide variant.
Coding change: c.333G>C on transcript NM_000521.4 (MANE Select); coding-DNA position 333, G replaced by C.
Protein change: p.Trp111Cys; replaces tryptophan 111 with cysteine.
Molecular consequence: missense variant. On other transcripts: 5 prime UTR variant (1).
Genome position (GRCh38, 1-based): chr5:74,689,361, G>C. VCF-style: chr5-74689361-G-C. GRCh37 (hg19) VCF-style: chr5-73985186-G-C.
Other names: c.-343G>C (NM_001292004.2); short protein forms W111C.
Identifiers: ClinVar variation 2165554 (VCV002165554.1), dbSNP rs761117459, ClinGen allele CA3305802.
Genomic context (GRCh38, chr5:74,689,361, plus strand): 5'-ATGTGTTTACATTTATTTCTCAAACAGATATCATGGCTATATTTTTGGTTTCTACAAGTG[G>C]CATCATGAACCTGCTGAATTCCAGGCTAAAACCCAGGTTCAGCAACTTCTTGTCTCAATC-3'
Protein context (NP_000512.2, residues 101-121): YHGYIFGFYK[Trp111Cys]HHEPAEFQAK

ClinVar aggregate classification (germline): Uncertain significance (1 of 4 stars; one submission).

Conditions:
Sandhoff disease. Also called: Beta-hexosaminidase-beta-subunit deficiency; GM2 gangliosidosis, type 2; Total hexosaminidase deficiency; Sandhoff-Jatzkewitz-Pilz disease; GM2-GANGLIOSIDOSIS, TYPE II; HEXOSAMINIDASES A AND B DEFICIENCY. Identifiers: Orphanet 796, MedGen C0036161, MONDO:0010006, OMIM 268800.

gnomAD v4.1: 3 of 1,613,032 alleles (0.00019%); highest among the groups gnomAD compares: Admixed American, 0.005%; no homozygotes.

Submission:

Labcorp Genetics (formerly Invitae), Labcorp
Classification: Uncertain significance for Sandhoff disease. Last evaluated: 2022-06-24. Review status: criteria provided, single submitter. Criteria: Invitae Variant Classification Sherloc (09022015). Collection method: clinical testing. Allele origin: germline.
Comment: This sequence change replaces tryptophan, which is neutral and slightly polar, with cysteine, which is neutral and slightly polar, at codon 111 of the HEXB protein (p.Trp111Cys). This variant is present in population databases (rs761117459, gnomAD 0.009%). This variant has not been reported in the literature in individuals affected with HEXB-related conditions. Algorithms developed to predict the effect of missense changes on protein structure and function (SIFT, PolyPhen-2, Align-GVGD) all suggest that this variant is likely to be tolerated. In summary, the available evidence is currently insufficient to determine the role of this variant in disease. Therefore, it has been classified as a Variant of Uncertain Significance.